The following is an entry in ClinVar:

ClinVar aggregate classification (germline): Uncertain significance. Review status: criteria provided, multiple submitters, no conflicts (2 of 4 stars). 2 submissions from 2 submitters: Uncertain significance (2). Last evaluated 2025-01-14.

Allele frequency attached by ClinVar (database versions not stated): gnomAD exomes below 0.00001.
gnomAD v4.1: 2 of 1,614,084 alleles (0.00012%); highest among the groups gnomAD compares: Non-Finnish European, 0.00017%; no homozygotes.

Submissions (2):

GeneDx
Classification: Uncertain significance. Last evaluated: 2025-01-14. Review status: criteria provided, single submitter. Criteria: GeneDx Variant Classification Process June 2021. Collection method: clinical testing. Allele origin: germline. Affected: yes.
Comment: Not observed at significant frequency in large population cohorts (gnomAD); In silico analysis supports that this missense variant has a deleterious effect on protein structure/function; Has not been previously published as pathogenic or benign to our knowledge

Labcorp Genetics (formerly Invitae), Labcorp
Classification: Uncertain significance. Last evaluated: 2023-10-20. Review status: criteria provided, single submitter. Criteria: Invitae Variant Classification Sherloc (09022015). Collection method: clinical testing. Allele origin: germline.
Comment: This sequence change replaces proline, which is neutral and non-polar, with leucine, which is neutral and non-polar, at codon 1127 of the KMT2A protein (p.Pro1127Leu). This variant is not present in population databases (gnomAD no frequency). This variant has not been reported in the literature in individuals affected with KMT2A-related conditions. ClinVar contains an entry for this variant (Variation ID: 1313417). Advanced modeling of protein sequence and biophysical properties (such as structural, functional, and spatial information, amino acid conservation, physicochemical variation, residue mobility, and thermodynamic stability) has been performed at Invitae for this missense variant, however the output from this modeling did not meet the statistical confidence thresholds required to predict the impact of this variant on KMT2A protein function. In summary, the available evidence is currently insufficient to determine the role of this variant in disease. Therefore, it has been classified as a Variant of Uncertain Significance.

NM_001197104.2(KMT2A):c.3380C>T (p.Pro1127Leu)

Gene: KMT2A (lysine methyltransferase 2A; plus strand). Cytogenetic location: 11q23.3.
Variant type: single nucleotide variant.
Coding change: c.3380C>T on transcript NM_001197104.2 (MANE Select); coding-DNA position 3380, C replaced by T.
Protein change: p.Pro1127Leu; replaces proline 1127 with leucine.
Molecular consequence: missense variant.
Genome position (GRCh38, 1-based): chr11:118,478,012, C>T. VCF-style: chr11-118478012-C-T. GRCh37 (hg19) VCF-style: chr11-118348727-C-T.
Other names: c.3380C>T, p.Pro1127Leu (NM_005933.4); short protein forms P1127L.
Identifiers: ClinVar variation 1313417 (VCV001313417.6), dbSNP rs2134286553, ClinGen allele CA382824443.